The following is an entry in ClinVar:

ClinVar aggregate classification (germline): Uncertain significance (0 of 4 stars; one submission).

Submission:

Martin Pollak Laboratory,  Beth Israel Deaconess Medical Center
Classification: Uncertain significance. Review status: no assertion criteria provided. Collection method: not provided. Allele origin: unknown.
Comment: Higher UCa2+ group
ClinVar note: Converted during submission from unknown to Uncertain significance.

NM_022911.3(SLC26A6):c.1653T>A (p.Phe551Leu)

Gene: SLC26A6 (solute carrier family 26 member 6; minus strand). Cytogenetic location: 3p21.31.
Variant type: single nucleotide variant.
Coding change: c.1653T>A on transcript NM_022911.3 (MANE Select); coding-DNA position 1653, T replaced by A.
Protein change: p.Phe551Leu; replaces phenylalanine 551 with leucine.
Molecular consequence: missense variant.
Genome position (GRCh38, 1-based): chr3:48,628,661, A>T on the plus strand (T>A on the coding strand, the complement: SLC26A6 is on the minus strand). VCF-style: chr3-48628661-A-T. GRCh37 (hg19) VCF-style: chr3-48666094-A-T.
Other names: c.1590T>A, p.Phe530Leu (NM_001040454.1); c.1545T>A, p.Phe515Leu (NM_001281732.2); c.1332T>A, p.Phe444Leu (NM_001281733.2); c.1653T>A, p.Phe551Leu (NM_134263.3, NM_134426.3); short protein forms F530L, F551L, F515L, F444L.
Identifiers: ClinVar variation 64453 (VCV000064453.2), dbSNP rs387907502, ClinGen allele CA216175.